The following is an entry in ClinVar:

NM_033448.3(KRT71):c.1361-9_1361-8delinsAC

Gene: KRT71 (keratin 71; minus strand). Cytogenetic location: 12q13.13.
Variant type: Indel.
Coding change: c.1361-9_1361-8delinsAC on transcript NM_033448.3 (MANE Select); 9 bases into the intron before coding-DNA position 1361 through 8 bases into the intron before coding-DNA position 1361, CT replaced by AC.
Molecular consequence: intron variant.
Genome position (GRCh38, 1-based): chr12:52,544,751-52,544,752, AG replaced by GT on the plus strand (CT replaced by AC on the coding strand, the reverse complement: KRT71 is on the minus strand). VCF-style: chr12-52544751-AG-GT. GRCh37 (hg19) VCF-style: chr12-52938535-AG-GT.
Identifiers: ClinVar variation 1949762 (VCV001949762.5), dbSNP rs2498432832, ClinGen allele CA2580086456.
Genomic context (GRCh38, chr12:52,544,751, plus strand): 5'-CATGCTGGGCCGGAAGCCATAGACACTGCCGCCACTGGTGCTGCTGATGATGGCTGCAGG[AG>GT]GAGCCGAAGCCAACACCCACTCAGGCAGAGAGCTGGGGAGGCCTCCTTTTCCCCAGGGCA-3'

ClinVar aggregate classification (germline): Uncertain significance (1 of 4 stars; one submission).

Submission:

Labcorp Genetics (formerly Invitae), Labcorp
Classification: Uncertain significance. Last evaluated: 2022-10-08. Review status: criteria provided, single submitter. Criteria: Invitae Variant Classification Sherloc (09022015). Collection method: clinical testing. Allele origin: germline.
Comment: This sequence change falls in intron 8 of the KRT71 gene. It does not directly change the encoded amino acid sequence of the KRT71 protein. Information on the frequency of this variant in the gnomAD database is not available, as this variant may be reported differently in the database. This variant has not been reported in the literature in individuals affected with KRT71-related conditions. Experimental studies and prediction algorithms are not available or were not evaluated, and the effect of this variant on mRNA splicing is currently unknown. In summary, the available evidence is currently insufficient to determine the role of this variant in disease. Therefore, it has been classified as a Variant of Uncertain Significance.